The following is an entry in ClinVar:

NM_006059.4(LAMC3):c.4067C>T (p.Ala1356Val)

Gene: LAMC3 (laminin subunit gamma 3; plus strand). Cytogenetic location: 9q34.12.
Variant type: single nucleotide variant.
Coding change: c.4067C>T on transcript NM_006059.4 (MANE Select); coding-DNA position 4067, C replaced by T.
Protein change: p.Ala1356Val; replaces alanine 1356 with valine.
Molecular consequence: missense variant.
Genome position (GRCh38, 1-based): chr9:131,085,560, C>T. VCF-style: chr9-131085560-C-T. GRCh37 (hg19) VCF-style: chr9-133960947-C-T.
Other names: c.4067C>T (NM_006059.3); short protein forms A1356V.
Identifiers: ClinVar variation 1403956 (VCV001403956.5), dbSNP rs778654607, ClinGen allele CA5288045.

ClinVar aggregate classification (germline): Uncertain significance. Review status: criteria provided, multiple submitters, no conflicts (2 of 4 stars). 2 submissions from 2 submitters: Uncertain significance (2). Last evaluated 2025-08-10.

Conditions:
Inborn genetic diseases. Identifiers: MedGen C0950123, MeSH D030342.

Allele frequency attached by ClinVar (database versions not stated): gnomAD 0.00001.
gnomAD v4.1: 14 of 1,613,918 alleles (0.00087%); highest among the groups gnomAD compares: African/African-American, 0.0027%; no homozygotes.

Submissions (2):

Ambry Genetics
Classification: Uncertain significance for Inborn genetic diseases. Last evaluated: 2025-08-10. Review status: criteria provided, single submitter. Criteria: Ambry Variant Classification Scheme 2023. Collection method: clinical testing. Allele origin: germline.

Labcorp Genetics (formerly Invitae), Labcorp
Classification: Uncertain significance. Last evaluated: 2022-07-18. Review status: criteria provided, single submitter. Criteria: Invitae Variant Classification Sherloc (09022015). Collection method: clinical testing. Allele origin: germline.
Comment: In summary, the available evidence is currently insufficient to determine the role of this variant in disease. Therefore, it has been classified as a Variant of Uncertain Significance. Algorithms developed to predict the effect of sequence changes on RNA splicing suggest that this variant may create or strengthen a splice site. Algorithms developed to predict the effect of missense changes on protein structure and function are either unavailable or do not agree on the potential impact of this missense change (SIFT: "Deleterious"; PolyPhen-2: "Benign"; Align-GVGD: "Class C0"). ClinVar contains an entry for this variant (Variation ID: 1403956). This variant has not been reported in the literature in individuals affected with LAMC3-related conditions. This variant is present in population databases (rs778654607, gnomAD 0.0009%). This sequence change replaces alanine, which is neutral and non-polar, with valine, which is neutral and non-polar, at codon 1356 of the LAMC3 protein (p.Ala1356Val).